The following is an entry in ClinVar:

ClinVar aggregate classification (germline): Uncertain significance (1 of 4 stars; one submission).

Submission:

CeGaT Center for Human Genetics Tuebingen
Classification: Uncertain significance. Last evaluated: 2024-05-01. Review status: criteria provided, single submitter. Criteria: CeGaT Center For Human Genetics Tuebingen Variant Classification Criteria Version 2. Collection method: clinical testing. Allele origin: germline. Affected: yes. Observed: 1 variant allele.
Comment: HERC2: PM2

NM_004667.6(HERC2):c.4138C>A (p.His1380Asn)

Gene: HERC2 (HECT and RLD domain containing E3 ubiquitin protein ligase 2; minus strand). Cytogenetic location: 15q13.1.
Variant type: single nucleotide variant.
Coding change: c.4138C>A on transcript NM_004667.6 (MANE Select); coding-DNA position 4138, C replaced by A.
Protein change: p.His1380Asn; replaces histidine 1380 with asparagine.
Molecular consequence: missense variant.
Genome position (GRCh38, 1-based): chr15:28,234,150, G>T on the plus strand (C>A on the coding strand, the complement: HERC2 is on the minus strand). VCF-style: chr15-28234150-G-T. GRCh37 (hg19) VCF-style: chr15-28479296-G-T.
Other names: short protein forms H1380N.
Identifiers: ClinVar variation 3239308 (VCV003239308.19), dbSNP rs2549210230.
Genomic context (GRCh38, chr15:28,234,150, plus strand): 5'-TGTTGTTGTCTGCAATGGCTTGCAGAAATGCCTGGGAATGGTCCCCCAGGGCCCGTCTGT[G>T]GGAGCAGAGTCGAGATTTGCTGGCAGGTGTGCCCCCTGGGGAGCTGCAGTGGTCCTCGTC-3'
Protein context (NP_004658.3, residues 1370-1390): TPASKSRLCS[His1380Asn]RRALGDHSQA